The following is an entry in ClinVar:

NM_023036.6(DNAI2):c.127G>T (p.Glu43Ter)

Gene: DNAI2 (dynein axonemal intermediate chain 2; plus strand). Cytogenetic location: 17q25.1.
Variant type: single nucleotide variant.
Coding change: c.127G>T on transcript NM_023036.6 (MANE Select); coding-DNA position 127, G replaced by T.
Protein change: p.Glu43Ter; replaces glutamic acid 43 with a stop codon.
Molecular consequence: nonsense. On other transcripts: non-coding transcript variant (1).
Genome position (GRCh38, 1-based): chr17:74,281,944, G>T. VCF-style: chr17-74281944-G-T. GRCh37 (hg19) VCF-style: chr17-72278083-G-T.
Other names: c.127G>T, p.Glu43Ter (NM_001172810.3, NM_001353167.2); short protein forms E43*.
Identifiers: ClinVar variation 4081631 (VCV004081631.1).

ClinVar aggregate classification (germline): Pathogenic (1 of 4 stars; one submission).

Conditions:
Primary ciliary dyskinesia 9. Also called: CILIARY DYSKINESIA, PRIMARY, 9, WITH OR WITHOUT SITUS INVERSUS. Identifiers: Orphanet 244, MedGen C2676235, MONDO:0012906, OMIM 612444.

gnomAD v4.1: 2 of 1,614,050 alleles (0.00012%); highest among the groups gnomAD compares: African/African-American, 0.0013%; no homozygotes.

Submission:

Myriad Genetics, Inc.
Classification: Pathogenic for Primary ciliary dyskinesia 9. Last evaluated: 2025-04-02. Review status: criteria provided, single submitter. Criteria: Myriad Autosomal Dominant, Autosomal Recessive and X-Linked Classification Criteria (2023). Collection method: clinical testing. Allele origin: unknown.
Comment: NM_023036.4(DNAI2):c.127G>T(E43*) is a nonsense variant classified as pathogenic in the context of primary ciliary dyskinesia, DNAI2-related. E43* has not been observed in cases with relevant disease. Relevant functional assessments of this variant are not available in the literature. E43* has not been observed in referenced population frequency databases. In summary, NM_023036.4(DNAI2):c.127G>T(E43*) is a nonsense variant in a gene where loss of function is a known mechanism of disease and is predicted to disrupt protein function. Please note: this variant was assessed in the context of healthy population screening.